The following is an entry in ClinVar:

ClinVar aggregate classification (germline): Uncertain significance (1 of 4 stars; one submission).

gnomAD v4.1: 1 of 1,614,030 alleles (0.000062%); highest among the groups gnomAD compares: Admixed American, 0.0017%; no homozygotes.

Submission:

GeneDx
Classification: Uncertain significance. Last evaluated: 2025-06-18. Review status: criteria provided, single submitter. Criteria: GeneDx Variant Classification Process June 2021. Collection method: clinical testing. Allele origin: germline. Affected: yes.
Comment: Not observed at significant frequency in large population cohorts (gnomAD); In silico analysis supports that this missense variant has a deleterious effect on protein structure/function; Has not been previously published as pathogenic or benign to our knowledge

NM_004281.4(BAG3):c.238A>G (p.Arg80Gly)

Gene: BAG3 (BAG cochaperone 3; plus strand). Cytogenetic location: 10q26.11.
Variant type: single nucleotide variant.
Coding change: c.238A>G on transcript NM_004281.4 (MANE Select); coding-DNA position 238, A replaced by G.
Protein change: p.Arg80Gly; replaces arginine 80 with glycine.
Molecular consequence: missense variant.
Genome position (GRCh38, 1-based): chr10:119,669,908, A>G. VCF-style: chr10-119669908-A-G. GRCh37 (hg19) VCF-style: chr10-121429420-A-G.
Other names: short protein forms R80G.
Identifiers: ClinVar variation 4538712 (VCV004538712.1).